The following is an entry in ClinVar:

ClinVar aggregate classification (germline): Pathogenic (1 of 4 stars; one submission).

Conditions:
Bardet-Biedl syndrome (BBS). Identifiers: Orphanet 110, MedGen C0752166, MONDO:0015229.

Submission:

Labcorp Genetics (formerly Invitae), Labcorp
Classification: Pathogenic for Bardet-Biedl syndrome. Last evaluated: 2023-06-13. Review status: criteria provided, single submitter. Criteria: Invitae Variant Classification Sherloc (09022015). Collection method: clinical testing. Allele origin: germline.
Comment: This variant has not been reported in the literature in individuals affected with BBS9-related conditions. For these reasons, this variant has been classified as Pathogenic. ClinVar contains an entry for this variant (Variation ID: 1453911). This variant is not present in population databases (gnomAD no frequency). This sequence change creates a premature translational stop signal (p.Val251Glyfs*15) in the BBS9 gene. It is expected to result in an absent or disrupted protein product. Loss-of-function variants in BBS9 are known to be pathogenic (PMID: 16380913, 20177705).

Literature cited by the submitters: PubMed 16380913; PubMed 20177705.

NM_198428.3(BBS9):c.751dup (p.Val251fs)

Gene: BBS9 (Bardet-Biedl syndrome 9; plus strand). Cytogenetic location: 7p14.3.
Variant type: Duplication.
Coding change: c.751dup on transcript NM_198428.3 (MANE Select); coding-DNA position 751, one base duplicated (G; older notation c.751dupG).
Protein change: p.Val251fs; shifts the reading frame from valine 251.
Molecular consequence: frameshift variant. On other transcripts: non-coding transcript variant (3).
Genome position (GRCh38, 1-based): chr7:33,273,060, G duplicated. VCF-style (leftmost placement, unchanged base first): chr7-33273059-T-TG. GRCh37 (hg19) VCF-style: chr7-33312671-T-TG.
Other names: c.751dup, p.Val251fs (NM_001033604.2, NM_001033605.2, NM_001348036.1 and 5 more transcripts); c.385dup, p.Val129fs (NM_001348037.3, NM_001348044.3, NM_001348045.3 and 1 more transcripts); c.478dup, p.Val160fs (NM_001348038.3, NM_001348039.3); c.616dup, p.Val206fs (NM_001348042.3); short protein forms V206fs, V251fs, V160fs, V129fs.
Identifiers: ClinVar variation 1453911 (VCV001453911.6), dbSNP rs2128344662, ClinGen allele CA2573142104.